The following is an entry in ClinVar:

ClinVar aggregate classification (germline): Uncertain significance. Review status: criteria provided, multiple submitters, no conflicts (2 of 4 stars). 3 submissions from 3 submitters: Uncertain significance (3). Last evaluated 2025-03-13.

Allele frequency attached by ClinVar (database versions not stated): gnomAD 0.00001; gnomAD exomes 0.00002; TOPMed 0.00002; ExAC 0.00004.
gnomAD v4.1: 34 of 1,613,756 alleles (0.0021%); highest among the groups gnomAD compares: Admixed American, 0.005%; no homozygotes.

Submissions (3):

Labcorp Genetics (formerly Invitae), Labcorp
Classification: Uncertain significance. Last evaluated: 2025-03-13. Review status: criteria provided, single submitter. Criteria: Invitae Variant Classification Sherloc (09022015). Collection method: clinical testing. Allele origin: germline.
Comment: This sequence change replaces arginine, which is basic and polar, with cysteine, which is neutral and slightly polar, at codon 387 of the KL protein (p.Arg387Cys). The frequency data for this variant in the population databases is considered unreliable, as metrics indicate poor data quality at this position in the gnomAD database. This variant has not been reported in the literature in individuals affected with KL-related conditions. ClinVar contains an entry for this variant (Variation ID: 2469133). Invitae Evidence Modeling of protein sequence and biophysical properties (such as structural, functional, and spatial information, amino acid conservation, physicochemical variation, residue mobility, and thermodynamic stability) indicates that this missense variant is not expected to disrupt KL protein function with a negative predictive value of 80%. In summary, the available evidence is currently insufficient to determine the role of this variant in disease. Therefore, it has been classified as a Variant of Uncertain Significance.

Blueprint Genetics
Classification: Uncertain significance. Last evaluated: 2023-06-02. Review status: criteria provided, single submitter. Criteria: ACMG Guidelines, 2015. Collection method: clinical testing. Allele origin: germline.

Ambry Genetics
Classification: Uncertain significance. Last evaluated: 2023-03-02. Review status: criteria provided, single submitter. Criteria: Ambry Variant Classification Scheme 2023. Collection method: clinical testing. Allele origin: germline.

NM_004795.4(KL):c.1159C>T (p.Arg387Cys)

Gene: KL (klotho; plus strand). Cytogenetic location: 13q13.1.
Variant type: single nucleotide variant.
Coding change: c.1159C>T on transcript NM_004795.4 (MANE Select); coding-DNA position 1159, C replaced by T.
Protein change: p.Arg387Cys; replaces arginine 387 with cysteine.
Molecular consequence: missense variant.
Genome position (GRCh38, 1-based): chr13:33,054,106, C>T. VCF-style: chr13-33054106-C-T. GRCh37 (hg19) VCF-style: chr13-33628243-C-T.
Other names: short protein forms R387C.
Identifiers: ClinVar variation 2469133 (VCV002469133.4), dbSNP rs775908357, ClinGen allele CA6944045.